The following is an entry in ClinVar:

NM_017739.4(POMGNT1):c.1540-16C>G

Genes: POMGNT1 (protein O-linked mannose N-acetylglucosaminyltransferase 1 (beta 1,2-); minus strand), TSPAN1 (tetraspanin 1; plus strand). Cytogenetic location: 1p34.1.
Variant type: single nucleotide variant.
Coding change: c.1540-16C>G on transcript NM_017739.4 (MANE Select); 16 bases into the intron before coding-DNA position 1540, C replaced by G.
Molecular consequence: intron variant.
Genome position (GRCh38, 1-based): chr1:46,190,800, G>C on the plus strand (C>G on the coding strand, the complement: POMGNT1 is on the minus strand). VCF-style: chr1-46190800-G-C. GRCh37 (hg19) VCF-style: chr1-46656472-G-C.
Other names: c.1540-16C>G (NM_001243766.2, NM_001438686.1, NM_001438688.1 and 3 more transcripts); c.1474-16C>G (NM_001290129.3, NM_001438691.1, NM_001438692.1); c.1111-16C>G (NM_001290130.2).
Identifiers: ClinVar variation 2101699 (VCV002101699.1), dbSNP rs10493123, ClinGen allele CA2574356166.
Genomic context (GRCh38, chr1:46,190,800, plus strand): 5'-GACACCTGGAACCGTGTTGAACTTGTGCTTCTTGAAGTAGGCCTCCTGGAGTGGGTATGA[G>C]AGTGAAAATCAGCACCTCACATTGTCTGGCCCACACCCACTTGCTGACCAGCCAGACATC-3'

ClinVar aggregate classification (germline): Uncertain significance (1 of 4 stars; one submission).

Conditions:
Autosomal recessive limb-girdle muscular dystrophy type 2O. Also called: Limb-Girdle Muscular Dystrophy Type 3C; MUSCULAR DYSTROPHY-DYSTROGLYCANOPATHY (LIMB-GIRDLE), TYPE C, 3; MUSCULAR DYSTROPHY-DYSTROGLYCANOPATHY, LIMB-GIRDLE, POMGNT1-RELATED. Identifiers: Orphanet 206564, MedGen C3150417, MONDO:0013161, OMIM 613157.
Muscular dystrophy-dystroglycanopathy (congenital with impaired intellectual development), type B, 3. Also called: Muscular dystrophy-dystroglycanopathy (congenital with intellectual disability), type B3; MUSCULAR DYSTROPHY, CONGENITAL, POMGNT1-RELATED. Identifiers: MedGen C3150412, MONDO:0013155, OMIM 613151.

gnomAD v4.1: 2 of 1,603,774 alleles (0.00012%); highest among the groups gnomAD compares: South Asian, 0.0022%; no homozygotes.

Submission:

Labcorp Genetics (formerly Invitae), Labcorp
Classification: Uncertain significance for Autosomal recessive limb-girdle muscular dystrophy type 2O; Muscular dystrophy-dystroglycanopathy (congenital with impaired intellectual development), type B, 3. Last evaluated: 2022-02-22. Review status: criteria provided, single submitter. Criteria: Invitae Variant Classification Sherloc (09022015). Collection method: clinical testing. Allele origin: germline.
Comment: This sequence change falls in intron 17 of the POMGNT1 gene. It does not directly change the encoded amino acid sequence of the POMGNT1 protein. This variant is not present in population databases (gnomAD no frequency). This variant has not been reported in the literature in individuals affected with POMGNT1-related conditions. Algorithms developed to predict the effect of sequence changes on RNA splicing suggest that this variant may disrupt the consensus splice site. In summary, the available evidence is currently insufficient to determine the role of this variant in disease. Therefore, it has been classified as a Variant of Uncertain Significance.